The following is an entry in ClinVar:

ClinVar aggregate classification (germline): Uncertain significance (1 of 4 stars; one submission).

Conditions:
Fibrous dysplasia of jaw (CRBM). Also called: Cherubism. Identifiers: Orphanet 184, MedGen C0008029, MONDO:0007315, OMIM 118400.

Submission:

Labcorp Genetics (formerly Invitae), Labcorp
Classification: Uncertain significance for Fibrous dysplasia of jaw. Last evaluated: 2023-05-24. Review status: criteria provided, single submitter. Criteria: Invitae Variant Classification Sherloc (09022015). Collection method: clinical testing. Allele origin: germline.
Comment: This sequence change replaces alanine, which is neutral and non-polar, with glycine, which is neutral and non-polar, at codon 320 of the SH3BP2 protein (p.Ala320Gly). This variant is not present in population databases (gnomAD no frequency). This variant has not been reported in the literature in individuals affected with SH3BP2-related conditions. ClinVar contains an entry for this variant (Variation ID: 1043829). Advanced modeling of protein sequence and biophysical properties (such as structural, functional, and spatial information, amino acid conservation, physicochemical variation, residue mobility, and thermodynamic stability) performed at Invitae indicates that this missense variant is not expected to disrupt SH3BP2 protein function. In summary, the available evidence is currently insufficient to determine the role of this variant in disease. Therefore, it has been classified as a Variant of Uncertain Significance.

NM_001122681.2(SH3BP2):c.959C>G (p.Ala320Gly)

Gene: SH3BP2 (SH3 domain binding protein 2; plus strand). Cytogenetic location: 4p16.3.
Variant type: single nucleotide variant.
Coding change: c.959C>G on transcript NM_001122681.2 (MANE Select); coding-DNA position 959, C replaced by G.
Protein change: p.Ala320Gly; replaces alanine 320 with glycine.
Molecular consequence: missense variant.
Genome position (GRCh38, 1-based): chr4:2,829,865, C>G. VCF-style: chr4-2829865-C-G. GRCh37 (hg19) VCF-style: chr4-2831592-C-G.
Other names: c.1043C>G, p.Ala348Gly (NM_001145855.2); c.1130C>G, p.Ala377Gly (NM_001145856.2); c.959C>G, p.Ala320Gly (NM_003023.4); short protein forms A320G, A348G, A377G.
Identifiers: ClinVar variation 1043829 (VCV001043829.7), dbSNP rs1724884429, ClinGen allele CA356056542.